The following is an entry in ClinVar:

ClinVar aggregate classification (germline): Uncertain significance. Review status: criteria provided, multiple submitters, no conflicts (2 of 4 stars). 2 submissions from 2 submitters: Uncertain significance (2). Last evaluated 2025-04-01.

Conditions:
Inborn genetic diseases. Identifiers: MedGen C0950123, MeSH D030342.

gnomAD v4.1: 2 of 1,612,536 alleles (0.00012%); highest among the groups gnomAD compares: Non-Finnish European, 0.00017%; no homozygotes.

Submissions (2):

Ambry Genetics
Classification: Uncertain significance for Inborn genetic diseases. Last evaluated: 2025-04-01. Review status: criteria provided, single submitter. Criteria: Ambry Variant Classification Scheme 2023. Collection method: clinical testing. Allele origin: germline.
Comment: The p.I284N variant (also known as c.851T>A), located in coding exon 1 of the SAMD9L gene, results from a T to A substitution at nucleotide position 851. The isoleucine at codon 284 is replaced by asparagine, an amino acid with dissimilar properties. This amino acid position is conserved. In addition, the in silico prediction for this alteration is inconclusive. Based on the available evidence, the clinical significance of this variant remains unclear.

Labcorp Genetics (formerly Invitae), Labcorp
Classification: Uncertain significance. Last evaluated: 2022-10-07. Review status: criteria provided, single submitter. Criteria: Invitae Variant Classification Sherloc (09022015). Collection method: clinical testing. Allele origin: germline.
Comment: This sequence change replaces isoleucine, which is neutral and non-polar, with asparagine, which is neutral and polar, at codon 284 of the SAMD9L protein (p.Ile284Asn). This variant is not present in population databases (gnomAD no frequency). This variant has not been reported in the literature in individuals affected with SAMD9L-related conditions. Algorithms developed to predict the effect of missense changes on protein structure and function are either unavailable or do not agree on the potential impact of this missense change (SIFT: "Not Available"; PolyPhen-2: "Probably Damaging"; Align-GVGD: "Not Available"). In summary, the available evidence is currently insufficient to determine the role of this variant in disease. Therefore, it has been classified as a Variant of Uncertain Significance.

NM_152703.5(SAMD9L):c.851T>A (p.Ile284Asn)

Gene: SAMD9L (sterile alpha motif domain containing 9 like; minus strand). Cytogenetic location: 7q21.2.
Variant type: single nucleotide variant.
Coding change: c.851T>A on transcript NM_152703.5 (MANE Select); coding-DNA position 851, T replaced by A.
Protein change: p.Ile284Asn; replaces isoleucine 284 with asparagine.
Molecular consequence: missense variant.
Genome position (GRCh38, 1-based): chr7:93,135,121, A>T on the plus strand (T>A on the coding strand, the complement: SAMD9L is on the minus strand). VCF-style: chr7-93135121-A-T. GRCh37 (hg19) VCF-style: chr7-92764434-A-T.
Other names: c.851T>A (NM_152703.2); c.851T>A, p.Ile284Asn (NM_001303496.3, NM_001303497.3, NM_001303498.3 and 5 more transcripts); short protein forms I284N.
Identifiers: ClinVar variation 2163171 (VCV002163171.5), dbSNP rs899191781, ClinGen allele CA161962816.